The following is an entry in ClinVar:

ClinVar aggregate classification (germline): Likely benign. Review status: criteria provided, multiple submitters, no conflicts (2 of 4 stars). 2 submissions from 2 submitters: Likely benign (2). Last evaluated 2025-08-04.

Allele frequency attached by ClinVar (database versions not stated): gnomAD 0.00003; TOPMed 0.00002; ExAC 0.00003.
gnomAD v4.1: 34 of 1,609,172 alleles (0.0021%); highest among the groups gnomAD compares: Admixed American, 0.01%; no homozygotes.

Submissions (2):

Labcorp Genetics (formerly Invitae), Labcorp
Classification: Likely benign. Last evaluated: 2025-08-04. Review status: criteria provided, single submitter. Criteria: Invitae Variant Classification Sherloc (09022015). Collection method: clinical testing. Allele origin: germline.

GeneDx
Classification: Likely benign. Last evaluated: 2017-12-14. Review status: criteria provided, single submitter. Criteria: GeneDx Variant Classification (06012015). Collection method: clinical testing. Allele origin: germline. Affected: yes.
Comment: This variant is considered likely benign or benign based on one or more of the following criteria: it is a conservative change, it occurs at a poorly conserved position in the protein, it is predicted to be benign by multiple in silico algorithms, and/or has population frequency not consistent with disease.

NM_001128840.3(CACNA1D):c.5814G>A (p.Pro1938=)

Gene: CACNA1D (calcium voltage-gated channel subunit alpha1 D; plus strand). Cytogenetic location: 3p21.1.
Variant type: single nucleotide variant.
Coding change: c.5814G>A on transcript NM_001128840.3 (MANE Select); coding-DNA position 5814, G replaced by A.
Protein change: p.Pro1938=; no amino-acid change (proline 1938 retained).
Molecular consequence: synonymous variant.
Genome position (GRCh38, 1-based): chr3:53,808,713, G>A. VCF-style: chr3-53808713-G-A. GRCh37 (hg19) VCF-style: chr3-53842740-G-A.
Other names: c.5874G>A, p.Pro1958= (NM_000720.4); c.5742G>A, p.Pro1914= (NM_001128839.3).
Identifiers: ClinVar variation 514164 (VCV000514164.8), dbSNP rs776968811, ClinGen allele CA2455278.